The following is an entry in ClinVar:

NM_000293.3(PHKB):c.1458+3357A>G

Gene: PHKB (phosphorylase kinase regulatory subunit beta; plus strand). Cytogenetic location: 16q12.1.
Variant type: single nucleotide variant.
Coding change: c.1458+3357A>G on transcript NM_000293.3 (MANE Select); 3357 bases into the intron after coding-DNA position 1458, A replaced by G.
Molecular consequence: intron variant.
Genome position (GRCh38, 1-based): chr16:47,614,277, A>G. VCF-style: chr16-47614277-A-G. GRCh37 (hg19) VCF-style: chr16-47648188-A-G.
Other names: c.1458+3357A>G (NM_001363837.1); c.1437+3357A>G (NM_001031835.3).
Identifiers: ClinVar variation 4845599 (VCV004845599.1).

ClinVar aggregate classification (germline): Uncertain significance (1 of 4 stars; one submission).

gnomAD v4.1: 51 of 152,332 alleles (0.033%); highest among the groups gnomAD compares: Non-Finnish European, 0.069%; no homozygotes.

Submission:

Greenwood Genetic Center Diagnostic Laboratories, Greenwood Genetic Center
Classification: Uncertain significance. Last evaluated: 2025-10-23. Review status: criteria provided, single submitter. Criteria: ACMG Guidelines, 2015. Collection method: clinical testing. Allele origin: germline. Affected: yes.
Comment: PM2, BP4